The following is an entry in ClinVar:

ClinVar aggregate classification (germline): Uncertain significance (1 of 4 stars; one submission).

gnomAD v4.1: 29 of 1,613,760 alleles (0.0018%); highest among the groups gnomAD compares: Non-Finnish European, 0.0025%; no homozygotes.

Submission:

Mayo Clinic Laboratories, Mayo Clinic
Classification: Uncertain significance. Last evaluated: 2023-07-25. Review status: criteria provided, single submitter. Criteria: ACMG Guidelines, 2015. Collection method: clinical testing. Allele origin: germline. Observed: 1 variant allele.
Comment: BP4, PM2_moderate

NM_016035.5(COQ4):c.397G>A (p.Val133Met)

Gene: COQ4 (coenzyme Q4; plus strand). Cytogenetic location: 9q34.11.
Variant type: single nucleotide variant.
Coding change: c.397G>A on transcript NM_016035.5 (MANE Select); coding-DNA position 397, G replaced by A.
Protein change: p.Val133Met; replaces valine 133 with methionine.
Molecular consequence: missense variant.
Genome position (GRCh38, 1-based): chr9:128,325,876, G>A. VCF-style: chr9-128325876-G-A. GRCh37 (hg19) VCF-style: chr9-131088155-G-A.
Other names: p.Val133Met; c.300G>A, p.Met100Ile (NM_001305942.2); short protein forms M100I, V133M.
Identifiers: ClinVar variation 3379900 (VCV003379900.1).
Genomic context (GRCh38, chr9:128,325,876, plus strand): 5'-GGCAAGCTCCAGAGCCTGCCGGAAGGCTCCCTCGGTCGCGAGTATCTCCGTTTCCTGGAT[G>A]TGAACGTGAGTTTTCAGCTCCTGTGTATCTGGCAGTCACCAGACAGGACAGAGGAATAGC-3'
Protein context (NP_057119.3, residues 123-143): LGREYLRFLD[Val133Met]NRVSPDTRAP